The following is an entry in ClinVar:

ClinVar aggregate classification (germline): Conflicting classifications of pathogenicity. Review status: criteria provided, conflicting classifications (1 of 4 stars). 2 submissions from 2 submitters: Uncertain significance (1); Likely benign (1). Last evaluated 2025-01-23.

Conditions:
Cardiovascular phenotype. Identifiers: MedGen CN230736.

Allele frequency attached by ClinVar (database versions not stated): gnomAD 0.00001.

Submissions (2):

Labcorp Genetics (formerly Invitae), Labcorp
Classification: Likely benign. Last evaluated: 2025-01-23. Review status: criteria provided, single submitter. Criteria: Invitae Variant Classification Sherloc (09022015). Collection method: clinical testing. Allele origin: germline.

Ambry Genetics
Classification: Uncertain significance for Cardiovascular phenotype. Last evaluated: 2023-04-09. Review status: criteria provided, single submitter. Criteria: Ambry Variant Classification Scheme 2023. Collection method: clinical testing. Allele origin: germline.
Comment: The p.G78A variant (also known as c.233G>C), located in coding exon 1 of the LOX gene, results from a G to C substitution at nucleotide position 233. The glycine at codon 78 is replaced by alanine, an amino acid with similar properties. This amino acid position is conserved. In addition, this alteration is predicted to be tolerated by in silico analysis. Since supporting evidence is limited at this time, the clinical significance of this alteration remains unclear.

NM_002317.7(LOX):c.233G>C (p.Gly78Ala)

Genes: LOX (lysyl oxidase; minus strand), SRFBP1 (serum response factor binding protein 1; plus strand). Cytogenetic location: 5q23.1.
Variant type: single nucleotide variant.
Coding change: c.233G>C on transcript NM_002317.7 (MANE Select); coding-DNA position 233, G replaced by C.
Protein change: p.Gly78Ala; replaces glycine 78 with alanine.
Molecular consequence: missense variant.
Genome position (GRCh38, 1-based): chr5:122,077,753, C>G on the plus strand (G>C on the coding strand, the complement: LOX is on the minus strand). VCF-style: chr5-122077753-C-G. GRCh37 (hg19) VCF-style: chr5-121413448-C-G.
Other names: short protein forms G78A.
Identifiers: ClinVar variation 2566461 (VCV002566461.4), dbSNP rs774406736, ClinGen allele CA3384093.